The following is an entry in ClinVar:

ClinVar aggregate classification (germline): Benign. Review status: criteria provided, multiple submitters, no conflicts (2 of 4 stars). 4 submissions from 4 submitters: Benign (4). Last evaluated 2024-01-24.

Conditions:
Polymicrogyria, perisylvian, with cerebellar hypoplasia and arthrogryposis (NEDSPLB). Identifiers: MedGen C4225295, MONDO:0014679, OMIM 616531.

Allele frequency attached by ClinVar (database versions not stated): ESP Exome Variant Server 0.12793; ExAC 0.15722; gnomAD exomes 0.26261 and 0.26436; gnomAD 0.39861 and 0.39965; 1000 Genomes Project 0.41014; TOPMed 0.43175; 1000 Genomes Project 30x 0.44363.
gnomAD v4.1: 363,307 of 1,291,300 alleles (28%); highest among the groups gnomAD compares: African/African-American, 45%; 98,390 homozygotes.

Submissions (4):

Unidad de Genómica Garrahan, Hospital de Pediatría Garrahan
Classification: Benign. Last evaluated: 2024-01-24. Review status: criteria provided, single submitter. Criteria: ACMG Guidelines, 2015. Collection method: clinical testing. Allele origin: germline. Affected: no. Observed: 19 variant alleles.
Comment: This variant is classified as Benign based on local population frequency. This variant was detected in 20% of patients studied by a panel of primary immunodeficiencies. Number of patients: 19. Only high quality variants are reported.

Genome-Nilou Lab
Classification: Benign for Polymicrogyria, perisylvian, with cerebellar hypoplasia and arthrogryposis. Last evaluated: 2021-09-05. Review status: criteria provided, single submitter. Criteria: ACMG Guidelines, 2015. Collection method: clinical testing. Allele origin: germline. Affected: no.

GeneDx
Classification: Benign. Last evaluated: 2018-07-09. Review status: criteria provided, single submitter. Criteria: GeneDx Variant Classification Process June 2021. Collection method: clinical testing. Allele origin: germline. Affected: yes.

Breakthrough Genomics
Classification: Benign. Review status: criteria provided, single submitter. Criteria: ACMG Guidelines, 2015. Collection method: not provided. Allele origin: germline. Inheritance: Autosomal recessive inheritance. Affected: yes.

NM_058004.4(PI4KA):c.5677-37G>A

Gene: PI4KA (phosphatidylinositol 4-kinase alpha; minus strand). Cytogenetic location: 22q11.21.
Variant type: single nucleotide variant.
Coding change: c.5677-37G>A on transcript NM_058004.4 (MANE Select); 37 bases into the intron before coding-DNA position 5677, G replaced by A.
Molecular consequence: intron variant.
Genome position (GRCh38, 1-based): chr22:20,712,648, C>T on the plus strand (G>A on the coding strand, the complement: PI4KA is on the minus strand). VCF-style: chr22-20712648-C-T. GRCh37 (hg19) VCF-style: chr22-21066936-C-T.
Other names: c.5611-37G>A (NM_001362863.2); c.5584-37G>A (NM_001362862.2).
Identifiers: ClinVar variation 1251385 (VCV001251385.7), dbSNP rs5996655, ClinGen allele CA10114586.